The following is an entry in ClinVar:

ClinVar aggregate classification (germline): Pathogenic. Review status: reviewed by expert panel (3 of 4 stars). 3 submissions from 3 submitters: Pathogenic (1). 2 of the submissions do not count toward it. Last evaluated 2016-10-18.

Conditions:
Breast-ovarian cancer, familial, susceptibility to, 2 (BROVCA2). Also called: BRCA2 Hereditary Breast and Ovarian Cancer. Identifiers: Orphanet 145, MedGen C2675520, MONDO:0012933, OMIM 612555. Disease mechanism: loss of function.

Submissions (3):

Evidence-based Network for the Interpretation of Germline Mutant Alleles (ENIGMA)
Classification: Pathogenic for Breast-ovarian cancer, familial, susceptibility to, 2. Last evaluated: 2016-10-18. Review status: reviewed by expert panel. Criteria: ENIGMA BRCA1/2 Classification Criteria (2015). Collection method: curation. Allele origin: germline.
Comment: Variant allele predicted to encode a truncated non-functional protein.

Myriad Genetics, Inc.
Classification: Pathogenic for Breast-ovarian cancer, familial, susceptibility to, 2. Last evaluated: 2024-11-01. Review status: criteria provided, single submitter. Criteria: Myriad Autosomal Dominant, Autosomal Recessive and X-Linked Classification Criteria (2023). Collection method: clinical testing. Allele origin: unknown. Not counted in ClinVar's aggregate classification.
Comment: This variant is considered pathogenic. This variant creates a frameshift predicted to result in premature protein truncation.

Consortium of Investigators of Modifiers of BRCA1/2 (CIMBA), c/o University of Cambridge
Classification: Pathogenic for Breast-ovarian cancer, familial, susceptibility to, 2. Last evaluated: 2015-10-02. Review status: criteria provided, single submitter. Criteria: CIMBA Mutation Classification guidelines May 2016. Collection method: clinical testing. Allele origin: germline. Not counted in ClinVar's aggregate classification.

NM_000059.4(BRCA2):c.3972_3973del (p.Thr1325fs)

Gene: BRCA2 (BRCA2 DNA repair associated; plus strand). Cytogenetic location: 13q13.1.
Variant type: Microsatellite.
Coding change: c.3972_3973del on transcript NM_000059.4 (MANE Select); coding-DNA positions 3972 to 3973, 2 bases deleted (TA; older notation c.3972_3973delTA).
Protein change: p.Thr1325fs; shifts the reading frame from threonine 1325.
Molecular consequence: frameshift variant.
Genome position (GRCh38, 1-based): chr13:32,338,327-32,338,328, TA deleted; deleting any 2 consecutive bases within chr13:32,338,324-32,338,328 gives the same sequence; the c. name uses the placement nearest the transcript's 3' end. VCF-style (leftmost placement, unchanged base first): chr13-32338323-AAT-A. GRCh37 (hg19) VCF-style: chr13-32912460-AAT-A.
Other names: 4200_4201delTA; c.3972_3973del (NM_000059.3); short protein forms T1325fs.
Identifiers: ClinVar variation 266784 (VCV000266784.6), dbSNP rs886040506, ClinGen allele CA10589234.